The following is an entry in ClinVar:

NM_003235.5(TG):c.3217+5G>A

Gene: TG (thyroglobulin; plus strand). Cytogenetic location: 8q24.22.
Variant type: single nucleotide variant.
Coding change: c.3217+5G>A on transcript NM_003235.5 (MANE Select); 5 bases into the intron after coding-DNA position 3217, G replaced by A.
Molecular consequence: intron variant.
Genome position (GRCh38, 1-based): chr8:132,898,251, G>A. VCF-style: chr8-132898251-G-A. GRCh37 (hg19) VCF-style: chr8-133910496-G-A.
Identifiers: ClinVar variation 1200147 (VCV001200147.6), dbSNP rs2132264436, ClinGen allele CA2499219120.

ClinVar aggregate classification (germline): Conflicting classifications of pathogenicity. Review status: criteria provided, conflicting classifications (1 of 4 stars). 3 submissions from 3 submitters: Likely pathogenic (2); Uncertain significance (1). Last evaluated 2025-10-15.

Conditions:
Congenital hypothyroidism. Identifiers: Orphanet 442, MedGen C0010308, MONDO:0018612, HP:0000851.

Allele frequency attached by ClinVar (database versions not stated): gnomAD exomes below 0.00001.
gnomAD v4.1: 2 of 1,589,802 alleles (0.00013%); highest among the groups gnomAD compares: African/African-American, 0.0027%; no homozygotes.

Submissions (3):

Women's Health and Genetics/Laboratory Corporation of America, LabCorp
Classification: Uncertain significance. Last evaluated: 2025-10-15. Review status: criteria provided, single submitter. Criteria: LabCorp Variant Classification Summary - May 2015. Collection method: clinical testing. Allele origin: germline.
Comment: Variant summary: TG c.3217+5G>A alters a non-conserved nucleotide located close to a canonical splice site and therefore could affect mRNA splicing, leading to a significantly altered protein sequence. Several computational tools predict a significant impact on normal splicing: Four predict the variant abolishes a 5' splicing donor site. However, these predictions have yet to be confirmed by functional studies. The variant was absent in 217474 control chromosomes. The available data on variant occurrences in the general population are insufficient to allow any conclusion about variant significance. c.3217+5G>A has been observed in at least one compound heterozygous individual with congenital hypothyroidism, congenital diaphragmatic hernia, and dysmorphic features, who was also found to be homozygous for a variant in the LTBP4 gene (example: Freed_2020). This report does not provide unequivocal conclusions about association of the TG c.3217+5G>A variant with TG-Related Disorders. To our knowledge, no experimental evidence demonstrating an impact on protein function has been reported. The following publication has been ascertained in the context of this evaluation (PMID: 32553838). ClinVar contains an entry for this variant (Variation ID: 1200147). Based on the evidence outlined above, the variant was classified as uncertain significance.

GeneDx
Classification: Likely pathogenic. Last evaluated: 2024-11-08. Review status: criteria provided, single submitter. Criteria: GeneDx Variant Classification Process June 2021. Collection method: clinical testing. Allele origin: germline. Affected: yes.
Comment: Not observed at significant frequency in large population cohorts (gnomAD); Intronic +5 splice site variant in a gene for which loss of function is a known mechanism of disease, and both splice predictors and evolutionary conservation support a deleterious effect, although in the absence of functional evidence the actual effect of this sequence change is unknown.; This variant is associated with the following publications: (PMID: 32553838)

Cambridge Genomics Laboratory, East Genomic Laboratory Hub, NHS Genomic Medicine Service
Classification: Likely pathogenic for Congenital hypothyroidism. Last evaluated: 2024-01-24. Review status: criteria provided, single submitter. Criteria: ACGS Best Practice Guidelines for Variant Classification in Rare Disease 2020. Collection method: clinical testing. Allele origin: germline. Affected: yes.
Comment: The c.3217+5G>A variant is novel (not in any individuals) in gnomAD All. The c.3217+5G>A variant is novel (not in any individuals) in 1kG All. The c.3217+5G>A variant is novel (not in any individuals) in gnomAD Genomes v3 All. (PM2 - Moderate) | This variant is predicted to disrupt a donor splice site by 4 of 4 splice site algorithms. This variant disrupts the donor splice site for an exon upstream from the penultimate exon junction and is therefore predicted to cause nonsense mediated decay. The nucleotide c.3217+5G>A in TG is predicted conserved by GERP++ and PhyloP across 100 vertebrates. (PP3 - Supporting) | The variant is observed in trans (in a compound heterozygous state) with another pathogenic variant. (PM3 - Moderate) | The patient's phenotype or family history is highly specific for a disease with a single genetic etiology. (PP4 - Supporting)

Literature cited by the submitters: PubMed 32553838 (cited by Women's Health and Genetics/Laboratory Corporation of America, LabCorp).